The following is an entry in ClinVar:

NM_006031.6(PCNT):c.5752G>A (p.Glu1918Lys)

Gene: PCNT (pericentrin; plus strand). Cytogenetic location: 21q22.3.
Variant type: single nucleotide variant.
Coding change: c.5752G>A on transcript NM_006031.6 (MANE Select); coding-DNA position 5752, G replaced by A.
Protein change: p.Glu1918Lys; replaces glutamic acid 1918 with lysine.
Molecular consequence: missense variant.
Genome position (GRCh38, 1-based): chr21:46,411,825, G>A. VCF-style: chr21-46411825-G-A. GRCh37 (hg19) VCF-style: chr21-47831739-G-A.
Other names: c.5398G>A, p.Glu1800Lys (NM_001315529.2); short protein forms E1800K, E1918K.
Identifiers: ClinVar variation 3353700 (VCV003353700.3).

ClinVar aggregate classification (germline): Uncertain significance. Review status: criteria provided, single submitter (1 of 4 stars). 2 submissions from 2 submitters: Uncertain significance (1). 1 of the submissions does not count toward it. Last evaluated 2025-03-31.

Conditions:
PCNT-related disorder. Also called: PCNT-related condition.

gnomAD v4.1: 4 of 1,571,906 alleles (0.00025%); highest among the groups gnomAD compares: Non-Finnish European, 0.00034%; no homozygotes.

Submissions (2):

Labcorp Genetics (formerly Invitae), Labcorp
Classification: Uncertain significance. Last evaluated: 2025-03-31. Review status: criteria provided, single submitter. Criteria: Invitae Variant Classification Sherloc (09022015). Collection method: clinical testing. Allele origin: germline.
Comment: This sequence change replaces glutamic acid, which is acidic and polar, with lysine, which is basic and polar, at codon 1918 of the PCNT protein (p.Glu1918Lys). The frequency data for this variant in the population databases is considered unreliable, as metrics indicate poor data quality at this position in the gnomAD database. This variant has not been reported in the literature in individuals affected with PCNT-related conditions. ClinVar contains an entry for this variant (Variation ID: 3353700). An algorithm developed to predict the effect of missense changes on protein structure and function outputs the following: PolyPhen-2: "Possibly Damaging". The lysine amino acid residue is found in multiple mammalian species, which suggests that this missense change does not adversely affect protein function. In summary, the available evidence is currently insufficient to determine the role of this variant in disease. Therefore, it has been classified as a Variant of Uncertain Significance.

PreventionGenetics, part of Exact Sciences
Classification: Uncertain significance for PCNT-related condition. Last evaluated: 2024-04-18. Review status: no assertion criteria provided. Collection method: clinical testing. Allele origin: germline. Not counted in ClinVar's aggregate classification.
Comment: The PCNT c.5752G>A variant is predicted to result in the amino acid substitution p.Glu1918Lys. To our knowledge, this variant has not been reported in the literature. This variant is reported in 0.0013% of alleles in individuals of European (Non-Finnish) descent in gnomAD. At this time, the clinical significance of this variant is uncertain due to the absence of conclusive functional and genetic evidence.